The following is an entry in ClinVar:

NM_000218.3(KCNQ1):c.1514+17377T>C

Genes: KCNQ1 (potassium voltage-gated channel subfamily Q member 1; plus strand), KCNQ1OT1 (KCNQ1 opposite strand/antisense transcript 1; minus strand). Cytogenetic location: 11p15.5.
Variant type: single nucleotide variant.
Coding change: c.1514+17377T>C on transcript NM_000218.3 (MANE Select); 17377 bases into the intron after coding-DNA position 1514, T replaced by C.
Molecular consequence: intron variant.
Genome position (GRCh38, 1-based): chr11:2,679,458, T>C. VCF-style: chr11-2679458-T-C. GRCh37 (hg19) VCF-style: chr11-2700688-T-C.
Other names: c.1244+17377T>C (NM_001406837.1); c.1418+17377T>C (NM_001406836.1); c.974+17377T>C (NM_001406838.1); c.1133+17377T>C (NM_181798.2).
Identifiers: ClinVar variation 1694623 (VCV001694623.32), dbSNP rs142258639, ClinGen allele CA216183766.
Genomic context (GRCh38, chr11:2,679,458, plus strand): 5'-ATGGGAATCATAAGAGTACCTTCCTCAGAGGGTTGTTAGGAGGATTACACAAATTAATAA[T>C]ATAAAGTATGCAGAAAAGTGCCTGTCCTATAGTAGTGACACAGTGTTACTTAAATGTATT-3'

ClinVar aggregate classification (germline): Benign/Likely benign. Review status: criteria provided, multiple submitters, no conflicts (2 of 4 stars). 2 submissions from 2 submitters: Benign (1); Likely benign (1). Last evaluated 2026-09-01.

Allele frequency attached by ClinVar (database versions not stated): 1000 Genomes Project 30x 0.00406; gnomAD 0.00426 and 0.00456; 1000 Genomes Project 0.00439; TOPMed 0.00446; gnomAD exomes 0.00599.
gnomAD v4.1: 2,167 of 398,598 alleles (0.54%); highest among the groups gnomAD compares: Middle Eastern, 1.8%; 20 homozygotes.

Submissions (2):

CeGaT Center for Human Genetics Tuebingen
Classification: Benign. Last evaluated: 2026-09-01. Review status: criteria provided, single submitter. Criteria: CeGaT Center For Human Genetics Tuebingen Variant Classification Criteria Version 2. Collection method: clinical testing. Allele origin: germline. Affected: yes. Observed: 84 variant alleles.
Comment: KCNQ1OT1: BS1, BS2; KCNQ1: BS1, BS2

Blueprint Genetics
Classification: Likely benign. Last evaluated: 2024-11-27. Review status: criteria provided, single submitter. Criteria: ACMG Guidelines, 2015. Collection method: clinical testing. Allele origin: germline.